The following is an entry in ClinVar:

NM_018139.3(DNAAF2):c.278G>T (p.Cys93Phe)

Gene: DNAAF2 (dynein axonemal assembly factor 2; minus strand). Cytogenetic location: 14q21.3.
Variant type: single nucleotide variant.
Coding change: c.278G>T on transcript NM_018139.3 (MANE Select); coding-DNA position 278, G replaced by T.
Protein change: p.Cys93Phe; replaces cysteine 93 with phenylalanine.
Molecular consequence: missense variant.
Genome position (GRCh38, 1-based): chr14:49,634,872, C>A on the plus strand (G>T on the coding strand, the complement: DNAAF2 is on the minus strand). VCF-style: chr14-49634872-C-A. GRCh37 (hg19) VCF-style: chr14-50101590-C-A.
Other names: c.278G>T, p.Cys93Phe (NM_001083908.2); short protein forms C93F.
Identifiers: ClinVar variation 948295 (VCV000948295.11), dbSNP rs904534333, ClinGen allele CA389632182.

ClinVar aggregate classification (germline): Uncertain significance. Review status: criteria provided, multiple submitters, no conflicts (2 of 4 stars). 2 submissions from 2 submitters: Uncertain significance (2). Last evaluated 2024-10-11.

Conditions:
Primary ciliary dyskinesia. Also called: Ciliary dyskinesia. Identifiers: Orphanet 244, MedGen C0008780, MONDO:0016575, HP:0012265.

Submissions (2):

Blueprint Genetics
Classification: Uncertain significance. Last evaluated: 2024-10-11. Review status: criteria provided, single submitter. Criteria: ACMG Guidelines, 2015. Collection method: clinical testing. Allele origin: germline.

Labcorp Genetics (formerly Invitae), Labcorp
Classification: Uncertain significance for Primary ciliary dyskinesia. Last evaluated: 2019-06-26. Review status: criteria provided, single submitter. Criteria: Invitae Variant Classification Sherloc (09022015). Collection method: clinical testing. Allele origin: germline.
Comment: Algorithms developed to predict the effect of missense changes on protein structure and function are either unavailable or do not agree on the potential impact of this missense change (SIFT: "Deleterious"; PolyPhen-2: "Probably Damaging"; Align-GVGD: "Class C0"). This sequence change replaces cysteine with phenylalanine at codon 93 of the DNAAF2 protein (p.Cys93Phe). The cysteine residue is moderately conserved and there is a large physicochemical difference between cysteine and phenylalanine. The frequency data for this variant in the population databases is considered unreliable, as metrics indicate insufficient coverage at this position in the ExAC database. This variant has not been reported in the literature in individuals with DNAAF2-related conditions. In summary, the available evidence is currently insufficient to determine the role of this variant in disease. Therefore, it has been classified as a Variant of Uncertain Significance.